The following is an entry in ClinVar:

ClinVar aggregate classification (germline): Uncertain significance (1 of 4 stars; one submission).

Conditions:
Developmental delay, impaired speech, and behavioral abnormalities, with or without seizures (DEDISB). Identifiers: MedGen C5575272, MONDO:0859263, OMIM 619964.

Submission:

Victorian Clinical Genetics Services, Murdoch Childrens Research Institute
Classification: Uncertain significance for Developmental delay, impaired speech, and behavioral abnormalities, with or without seizures. Last evaluated: 2023-07-17. Review status: criteria provided, single submitter. Criteria: ACMG Guidelines, 2015. Collection method: clinical testing. Allele origin: germline. Inheritance: Autosomal dominant inheritance. Affected: yes.
Comment: Based on the classification scheme VCGS_Germline_v1.3.4, this variant is classified as VUS-3B. Following criteria are met: 0102 - Loss of function is a known mechanism of disease in this gene and is associated with developmental delay, impaired speech, and behavioral abnormalities, with or without seizures (MIM#619964). (I) 0107 - This gene is associated with autosomal dominant disease. (I) 0115 - Variants in this gene are known to have variable expressivity (PMID: 34113008). (I) 0200 - Variant is predicted to result in a missense amino acid change from methionine to lysine. (I) 0251 - This variant is heterozygous. (I) 0301 - Variant is absent from gnomAD (both v2 and v3). (SP) 0309 - An alternative amino acid change at the same position has been observed in gnomAD (v2) (p.(Met1263Thr): 1 heterozygote, 0 homozygotes). (I) 0502 - Missense variant with conflicting in silico predictions and uninformative conservation. (I) 0600 - Variant is located in the annotated DUF1981 family domain (DECIPHER). (I) 0705 - No comparable missense variants have previous evidence for pathogenicity. (I) 0807 - This variant has no previous evidence of pathogenicity. (I) 0905 - No published segregation evidence has been identified for this variant. (I) 1007 - No published functional evidence has been identified for this variant. (I) 1208 - Inheritance information for this variant is not currently available in this individual. (I) Legend: (SP) - Supporting pathogenic, (I) - Information, (SB) - Supporting benign

Literature cited by the submitters: PubMed 34113008.

NM_006421.5(ARFGEF1):c.3788T>A (p.Met1263Lys)

Gene: ARFGEF1 (ARF guanine nucleotide exchange factor 1; minus strand). Cytogenetic location: 8q13.2.
Variant type: single nucleotide variant.
Coding change: c.3788T>A on transcript NM_006421.5 (MANE Select); coding-DNA position 3788, T replaced by A.
Protein change: p.Met1263Lys; replaces methionine 1263 with lysine.
Molecular consequence: missense variant. On other transcripts: non-coding transcript variant (1).
Genome position (GRCh38, 1-based): chr8:67,227,265, A>T on the plus strand (T>A on the coding strand, the complement: ARFGEF1 is on the minus strand). VCF-style: chr8-67227265-A-T. GRCh37 (hg19) VCF-style: chr8-68139500-A-T.
Other names: c.3788T>A, p.Met1263Lys (NM_001413184.1, NM_001413185.1, NM_001413186.1 and 6 more transcripts); c.3188T>A, p.Met1063Lys (NM_001413188.1, NM_001413193.1, NM_001413197.1); c.3782T>A, p.Met1261Lys (NM_001413190.1); c.2363T>A, p.Met788Lys (NM_001413196.1); short protein forms M1063K, M1261K, M1263K, M788K.
Identifiers: ClinVar variation 3254697 (VCV003254697.1), dbSNP rs750301034.